The following is an entry in ClinVar:

ClinVar aggregate classification (germline): Uncertain significance. Review status: criteria provided, multiple submitters, no conflicts (2 of 4 stars). 3 submissions from 3 submitters: Uncertain significance (2). 1 of the submissions does not count toward it. Last evaluated 2024-05-23.

Conditions:
Inborn genetic diseases. Identifiers: MedGen C0950123, MeSH D030342.
Achromatopsia. Also called: Rod monochromatism. Identifiers: Orphanet 49382, MedGen C0152200, MONDO:0018852, HP:0011516.

Allele frequency attached by ClinVar (database versions not stated): ExAC 0.00001; gnomAD exomes 0.00001 and 0.00003; TOPMed 0.00002.
gnomAD v4.1: 45 of 1,613,146 alleles (0.0028%); highest among the groups gnomAD compares: Non-Finnish European, 0.0037%; no homozygotes.

Submissions (3):

Ambry Genetics
Classification: Uncertain significance for Inborn genetic diseases. Last evaluated: 2024-05-23. Review status: criteria provided, single submitter. Criteria: Ambry Variant Classification Scheme 2023. Collection method: clinical testing. Allele origin: germline.

Labcorp Genetics (formerly Invitae), Labcorp
Classification: Uncertain significance. Last evaluated: 2021-08-28. Review status: criteria provided, single submitter. Criteria: Invitae Variant Classification Sherloc (09022015). Collection method: clinical testing. Allele origin: germline.
Comment: This sequence change replaces lysine with asparagine at codon 147 of the CNGB3 protein (p.Lys147Asn). The lysine residue is highly conserved and there is a moderate physicochemical difference between lysine and asparagine. This variant is present in population databases (rs769966310, ExAC 0.01%). This variant has not been reported in the literature in individuals affected with CNGB3-related conditions. Algorithms developed to predict the effect of missense changes on protein structure and function (SIFT, PolyPhen-2, Align-GVGD) all suggest that this variant is likely to be disruptive. In summary, the available evidence is currently insufficient to determine the role of this variant in disease. Therefore, it has been classified as a Variant of Uncertain Significance.

Natera, Inc.
Classification: Uncertain significance for Achromatopsia. Last evaluated: 2020-03-10. Review status: no assertion criteria provided. Collection method: clinical testing. Allele origin: germline. Not counted in ClinVar's aggregate classification.

NM_019098.5(CNGB3):c.441G>T (p.Lys147Asn)

Gene: CNGB3 (cyclic nucleotide gated channel subunit beta 3; minus strand). Cytogenetic location: 8q21.3.
Variant type: single nucleotide variant.
Coding change: c.441G>T on transcript NM_019098.5 (MANE Select); coding-DNA position 441, G replaced by T.
Protein change: p.Lys147Asn; replaces lysine 147 with asparagine.
Molecular consequence: missense variant.
Genome position (GRCh38, 1-based): chr8:86,670,996, C>A on the plus strand (G>T on the coding strand, the complement: CNGB3 is on the minus strand). VCF-style: chr8-86670996-C-A. GRCh37 (hg19) VCF-style: chr8-87683224-C-A.
Other names: short protein forms K147N.
Identifiers: ClinVar variation 957102 (VCV000957102.6), dbSNP rs769966310, ClinGen allele CA4800400.
Genomic context (GRCh38, chr8:86,670,996, plus strand): 5'-ATGCTTACCAGTTTGTGGGCTGGCTTCGGGTGAGGAGAGATCTCCCTCTACCAACTTTTT[C>A]TTGTAGAGGGCTGTTCTTTGACGCATTCTTTTCACCAGGTTGTGTAGCTGGGCATCGGCA-3'
Protein context (NP_061971.3, residues 137-157): KRMRQRTALY[Lys147Asn]KKLVEGDLSS